The following is an entry in ClinVar:

NM_001379610.1(SPINK1):c.*32C>T

Gene: SPINK1 (serine peptidase inhibitor Kazal type 1; minus strand). Cytogenetic location: 5q32.
Variant type: single nucleotide variant.
Coding change: c.*32C>T on transcript NM_001379610.1 (MANE Select); 32 bases downstream of the stop codon, C replaced by T.
Molecular consequence: 3 prime UTR variant.
Genome position (GRCh38, 1-based): chr5:147,824,629, G>A on the plus strand (C>T on the coding strand, the complement: SPINK1 is on the minus strand). VCF-style: chr5-147824629-G-A. GRCh37 (hg19) VCF-style: chr5-147204192-G-A.
Other names: c.*32C>T (NM_001354966.2, NM_003122.5).
Identifiers: ClinVar variation 351510 (VCV000351510.17), dbSNP rs11319, ClinGen allele CA3494740.
Genomic context (GRCh38, chr5:147,824,629, plus strand): 5'-TGGAAACAACAGGGGATATTCAGATACATTTATTCAACAATAAGGCCAGTCAGGCCTCGC[G>A]GTGACCTGATGGGATTTCAAAACCTTGGTTCTCAGCAAGGCCCAGATTTTTGAATGAGGA-3'

ClinVar aggregate classification (germline): Benign/Likely benign. Review status: criteria provided, multiple submitters, no conflicts (2 of 4 stars). 4 submissions from 4 submitters: Benign (2); Likely benign (2). Last evaluated 2020-04-20.

Conditions:
Hereditary pancreatitis (PCTT). Also called: Hereditary chronic pancreatitis; PRSS1-Related Hereditary Pancreatitis. Identifiers: Orphanet 676, MedGen C0238339, MONDO:0008185, OMIM 167800.

Allele frequency attached by ClinVar (database versions not stated): ESP Exome Variant Server 0.02630; gnomAD 0.04721 and 0.05250; gnomAD exomes 0.04978 and 0.08309; TOPMed 0.05098; ExAC 0.07728; 1000 Genomes Project 30x 0.08713; 1000 Genomes Project 0.09225.
gnomAD v4.1: 80,425 of 1,607,666 alleles (5%); highest among the groups gnomAD compares: Admixed American, 19%; 3,805 homozygotes.

Submissions (4):

ARUP Laboratories, Molecular Genetics and Genomics, ARUP Laboratories
Classification: Benign. Last evaluated: 2020-04-20. Review status: criteria provided, single submitter. Criteria: ARUP Molecular Germline Variant Investigation Process. Collection method: clinical testing. Allele origin: germline.

GeneDx
Classification: Benign. Last evaluated: 2018-06-21. Review status: criteria provided, single submitter. Criteria: GeneDx Variant Classification Process June 2021. Collection method: clinical testing. Allele origin: germline. Affected: yes.

Illumina Laboratory Services, Illumina
Classification: Likely benign for Hereditary pancreatitis. Last evaluated: 2017-04-27. Review status: criteria provided, single submitter. Criteria: ICSL Variant Classification Criteria 13 December 2019. Collection method: clinical testing. Allele origin: germline.
Comment: This variant was observed as part of a predisposition screen in an ostensibly healthy population. A literature search was performed for the gene, cDNA change, and amino acid change (where applicable). Publications were found based on this search. The evidence from the literature, in combination with allele frequency data from public databases where available, was sufficient to determine this variant is unlikely to cause disease. Therefore, this variant is classified as likely benign.

Breakthrough Genomics
Classification: Likely benign. Review status: criteria provided, single submitter. Criteria: ACMG Guidelines, 2015. Collection method: not provided. Allele origin: germline. Inheritance: Autosomal recessive inheritance. Affected: yes.

Literature cited by the submitters: PubMed 18580441 (cited by Illumina Laboratory Services, Illumina).